The following is an entry in ClinVar:

NM_001042492.3(NF1):c.596T>A (p.Phe199Tyr)

Gene: NF1 (neurofibromin 1; plus strand). Cytogenetic location: 17q11.2.
Variant type: single nucleotide variant.
Coding change: c.596T>A on transcript NM_001042492.3 (MANE Select); coding-DNA position 596, T replaced by A.
Protein change: p.Phe199Tyr; replaces phenylalanine 199 with tyrosine.
Molecular consequence: missense variant.
Genome position (GRCh38, 1-based): chr17:31,181,431, T>A. VCF-style: chr17-31181431-T-A. GRCh37 (hg19) VCF-style: chr17-29508449-T-A.
Other names: c.596T>A, p.Phe199Tyr (NM_000267.4, NM_001128147.3); short protein forms F199Y.
Identifiers: ClinVar variation 1750783 (VCV001750783.2), dbSNP rs2544747608, ClinGen allele CA398989222.

ClinVar aggregate classification (germline): Uncertain significance (1 of 4 stars; one submission).

Conditions:
Cardiovascular phenotype. Identifiers: MedGen CN230736.
Hereditary cancer-predisposing syndrome. Also called: Hereditary Cancer Syndrome; Hereditary neoplastic syndrome; Neoplastic Syndromes, Hereditary; Tumor predisposition. Identifiers: Orphanet 140162, MedGen C0027672, MeSH D009386, MONDO:0015356.

Submission:

Ambry Genetics
Classification: Uncertain significance for Cardiovascular phenotype; Hereditary cancer-predisposing syndrome. Last evaluated: 2022-01-31. Review status: criteria provided, single submitter. Criteria: Ambry Variant Classification Scheme 2023. Collection method: clinical testing. Allele origin: germline.
Comment: The p.F199Y variant (also known as c.596T>A), located in coding exon 6 of the NF1 gene, results from a T to A substitution at nucleotide position 596. The phenylalanine at codon 199 is replaced by tyrosine, an amino acid with highly similar properties. This amino acid position is conserved. In addition, the in silico prediction for this alteration is inconclusive. Since supporting evidence is limited at this time, the clinical significance of this alteration remains unclear.